The following is an entry in ClinVar:

ClinVar aggregate classification (germline): Likely benign. Review status: criteria provided, multiple submitters, no conflicts (2 of 4 stars). 2 submissions from 2 submitters: Likely benign (2). Last evaluated 2024-02-23.

Conditions:
Episodic ataxia type 2 (EA2). Also called: ATAXIA, EPISODIC, WITH NYSTAGMUS; ATAXIA, FAMILIAL PAROXYSMAL; CEREBELLAR ATAXIA, PAROXYSMAL, ACETAZOLAMIDE-RESPONSIVE; CEREBELLOPATHY, HEREDITARY PAROXYSMAL; EPISODIC ATAXIA, NYSTAGMUS-ASSOCIATED; ACETAZOLAMIDE-RESPONSIVE HEREDITARY PAROXYSMAL CEREBELLAR ATAXIA. Identifiers: Orphanet 97, MedGen C1720416, MONDO:0007163, OMIM 108500.
Developmental and epileptic encephalopathy, 42 (DEE42A). Also called: DEVELOPMENTAL AND EPILEPTIC ENCEPHALOPATHY 42A; EPILEPTIC ENCEPHALOPATHY, EARLY INFANTILE, 42A; Epileptic encephalopathy, early infantile, 42. Identifiers: MedGen C4310716, MONDO:0014917, OMIM 617106.

Allele frequency attached by ClinVar (database versions not stated): gnomAD exomes below 0.00001; gnomAD 0.00002 and 0.00003; TOPMed 0.00003.
gnomAD v4.1: 5 of 1,588,482 alleles (0.00031%); highest among the groups gnomAD compares: African/African-American, 0.004%; no homozygotes.

Submissions (2):

Labcorp Genetics (formerly Invitae), Labcorp
Classification: Likely benign for Developmental and epileptic encephalopathy, 42; Episodic ataxia type 2. Last evaluated: 2024-02-23. Review status: criteria provided, single submitter. Criteria: Invitae Variant Classification Sherloc (09022015). Collection method: clinical testing. Allele origin: germline.

GeneDx
Classification: Likely benign. Last evaluated: 2017-12-07. Review status: criteria provided, single submitter. Criteria: GeneDx Variant Classification (06012015). Collection method: clinical testing. Allele origin: germline. Affected: yes.
Comment: This variant is considered likely benign or benign based on one or more of the following criteria: it is a conservative change, it occurs at a poorly conserved position in the protein, it is predicted to be benign by multiple in silico algorithms, and/or has population frequency not consistent with disease.

NM_001127222.2(CACNA1A):c.4951-14C>T

Gene: CACNA1A (calcium voltage-gated channel subunit alpha1 A; minus strand). Cytogenetic location: 19p13.13.
Variant type: single nucleotide variant.
Coding change: c.4951-14C>T on transcript NM_001127222.2 (MANE Select); 14 bases into the intron before coding-DNA position 4951, C replaced by T.
Molecular consequence: intron variant.
Genome position (GRCh38, 1-based): chr19:13,235,744, G>A on the plus strand (C>T on the coding strand, the complement: CACNA1A is on the minus strand). VCF-style: chr19-13235744-G-A. GRCh37 (hg19) VCF-style: chr19-13346558-G-A.
Other names: c.4954-14C>T (NM_001127221.2); c.4960-14C>T (NM_001174080.2); c.4969-14C>T (NM_000068.4, NM_023035.3).
Identifiers: ClinVar variation 513902 (VCV000513902.9), dbSNP rs1019678447, ClinGen allele CA305517403.